The following is an entry in ClinVar:

ClinVar aggregate classification (germline): Uncertain significance (1 of 4 stars; one submission).

Conditions:
Charcot-Marie-Tooth disease type 4. Also called: Charcot-Marie-Tooth, Type 4; Charcot-Marie-Tooth disease, type IV. Identifiers: Orphanet 64749, MedGen C4082197, MONDO:0018995.

Allele frequency attached by ClinVar (database versions not stated): gnomAD exomes below 0.00001.
gnomAD v4.1: 1 of 1,614,176 alleles (0.000062%); highest among the groups gnomAD compares: Non-Finnish European, 0.000085%; no homozygotes.

Submission:

Labcorp Genetics (formerly Invitae), Labcorp
Classification: Uncertain significance for Charcot-Marie-Tooth disease type 4. Last evaluated: 2023-07-17. Review status: criteria provided, single submitter. Criteria: Invitae Variant Classification Sherloc (09022015). Collection method: clinical testing. Allele origin: germline.
Comment: In summary, the available evidence is currently insufficient to determine the role of this variant in disease. Therefore, it has been classified as a Variant of Uncertain Significance. Advanced modeling of protein sequence and biophysical properties (such as structural, functional, and spatial information, amino acid conservation, physicochemical variation, residue mobility, and thermodynamic stability) has been performed at Invitae for this missense variant, however the output from this modeling did not meet the statistical confidence thresholds required to predict the impact of this variant on SH3TC2 protein function. ClinVar contains an entry for this variant (Variation ID: 1478832). This variant has not been reported in the literature in individuals affected with SH3TC2-related conditions. This variant is not present in population databases (gnomAD no frequency). This sequence change replaces leucine, which is neutral and non-polar, with proline, which is neutral and non-polar, at codon 994 of the SH3TC2 protein (p.Leu994Pro).

NM_024577.4(SH3TC2):c.2981T>C (p.Leu994Pro)

Gene: SH3TC2 (SH3 domain and tetratricopeptide repeats 2; minus strand). Cytogenetic location: 5q32.
Variant type: single nucleotide variant.
Coding change: c.2981T>C on transcript NM_024577.4 (MANE Select); coding-DNA position 2981, T replaced by C.
Protein change: p.Leu994Pro; replaces leucine 994 with proline.
Molecular consequence: missense variant.
Genome position (GRCh38, 1-based): chr5:149,026,644, A>G on the plus strand (T>C on the coding strand, the complement: SH3TC2 is on the minus strand). VCF-style: chr5-149026644-A-G. GRCh37 (hg19) VCF-style: chr5-148406207-A-G.
Other names: short protein forms L994P.
Identifiers: ClinVar variation 1478832 (VCV001478832.6), dbSNP rs2127396874, ClinGen allele CA361665192.